The following is an entry in ClinVar:

ClinVar aggregate classification (germline): Pathogenic/Likely pathogenic. Review status: criteria provided, multiple submitters, no conflicts (2 of 4 stars). 2 submissions from 2 submitters: Pathogenic (1); Likely pathogenic (1). Last evaluated 2024-09-22.

Conditions:
Alagille syndrome due to a JAG1 point mutation. Also called: Alagille Syndrome 1; JAG1-Related Alagille Syndrome; HEPATIC DUCTULAR HYPOPLASIA, SYNDROMATIC. Identifiers: Orphanet 261619, Orphanet 52, MedGen C1956125, MONDO:0016862, OMIM 118450.

Submissions (2):

Genomic Medicine Center of Excellence, King Faisal Specialist Hospital and Research Centre
Classification: Likely pathogenic for Alagille syndrome due to a JAG1 point mutation. Last evaluated: 2024-09-22. Review status: criteria provided, single submitter. Criteria: ACMG Guidelines, 2015. Collection method: clinical testing. Allele origin: germline.

GeneDx
Classification: Pathogenic. Last evaluated: 2013-12-19. Review status: criteria provided, single submitter. Criteria: GeneDx Variant Classification (06012015). Collection method: clinical testing. Allele origin: germline. Affected: yes.
Comment: The c.3067delG mutation in the JAG1 gene causes a frameshift starting with codon Aspartic acid 1023, changes this amino acid to a Methionine residue and creates a premature Stop codon at position 13 of the new reading frame, denoted p.Asp1023MetfsX13. This mutation is predicted to cause loss of normal protein function either through protein truncation or nonsense-mediated mRNA decayThis variant was found in JAG1-T1

NM_000214.3(JAG1):c.3067del (p.Asp1023fs)

Gene: JAG1 (jagged canonical Notch ligand 1; minus strand). Cytogenetic location: 20p12.2.
Variant type: Deletion.
Coding change: c.3067del on transcript NM_000214.3 (MANE Select); coding-DNA position 3067, one base deleted (G; older notation c.3067delG).
Protein change: p.Asp1023fs; shifts the reading frame from aspartic acid 1023.
Molecular consequence: frameshift variant.
Genome position (GRCh38, 1-based): chr20:10,640,915, C deleted on the plus strand (G on the coding strand, the reverse complement: JAG1 is on the minus strand); the first of 3 consecutive C bases (chr20:10,640,915-10,640,917); deleting any one gives the same sequence. VCF-style (leftmost placement, unchanged base first): chr20-10640914-TC-T. GRCh37 (hg19) VCF-style: chr20-10621562-TC-T.
Other names: c.3067del, p.Asp1023fs (LRG_1191t1); short protein forms D1023fs.
Identifiers: ClinVar variation 213564 (VCV000213564.2), dbSNP rs863223677, ClinGen allele CA323739.
Genomic context (GRCh38, chr20:10,640,914, plus strand): 5'-TCACGTTTACTAACAAGATCGATTATTTTGTCAGTGATTTCCTTGATCGGGTTCCCATCA[TC>T]CCGTATATCTTCAGCAGACTGGAAAAACAATTGTCAGACTTGAGAGTCAGAGGAATACTC-3'